The following is an entry in ClinVar:

ClinVar aggregate classification (germline): Pathogenic (1 of 4 stars; one submission).

gnomAD v4.1: 1 of 1,611,520 alleles (0.000062%); highest among the groups gnomAD compares: African/African-American, 0.0014%; no homozygotes.

Submission:

CeGaT Center for Human Genetics Tuebingen
Classification: Pathogenic. Last evaluated: 2024-02-01. Review status: criteria provided, single submitter. Criteria: CeGaT Center For Human Genetics Tuebingen Variant Classification Criteria Version 2. Collection method: clinical testing. Allele origin: germline. Affected: yes. Observed: 1 variant allele.
Comment: SPTA1: PVS1, PM2

NM_003126.4(SPTA1):c.1867C>T (p.Gln623Ter)

Gene: SPTA1 (spectrin alpha, erythrocytic 1; minus strand). Cytogenetic location: 1q23.1.
Variant type: single nucleotide variant.
Coding change: c.1867C>T on transcript NM_003126.4 (MANE Select); coding-DNA position 1867, C replaced by T.
Protein change: p.Gln623Ter; replaces glutamine 623 with a stop codon.
Molecular consequence: nonsense.
Genome position (GRCh38, 1-based): chr1:158,668,029, G>A on the plus strand (C>T on the coding strand, the complement: SPTA1 is on the minus strand). VCF-style: chr1-158668029-G-A. GRCh37 (hg19) VCF-style: chr1-158637819-G-A.
Other names: short protein forms Q623*.
Identifiers: ClinVar variation 3027164 (VCV003027164.22), dbSNP rs2525241090, ClinGen allele CA343007415.